The following is an entry in ClinVar:

NM_001382391.1(CSPP1):c.2134_2135dup (p.Met712fs)

Gene: CSPP1 (centrosome and spindle pole associated protein 1; plus strand). Cytogenetic location: 8q13.2.
Variant type: Microsatellite.
Coding change: c.2134_2135dup on transcript NM_001382391.1 (MANE Select); coding-DNA positions 2134 to 2135, 2 bases duplicated (AT; older notation c.2134_2135dupAT).
Protein change: p.Met712fs; shifts the reading frame from methionine 712.
Molecular consequence: frameshift variant.
Genome position (GRCh38, 1-based): chr8:67,154,029-67,154,030, AT duplicated; duplicating any 2 consecutive bases within chr8:67,154,027-67,154,030 gives the same sequence; the c. name uses the placement nearest the transcript's 3' end. VCF-style (leftmost placement, unchanged base first): chr8-67154026-C-CAT. GRCh37 (hg19) VCF-style: chr8-68066261-C-CAT.
Other names: c.1084_1085dup, p.Met362fs (NM_001291339.2); c.2053_2054dup, p.Met685fs (NM_001363131.2); c.1939_1940dup, p.Met647fs (NM_001363132.2); c.1858_1859dup, p.Met620fs (NM_001363133.2); c.2200_2201dup, p.Met734fs (NM_001364869.1); c.2020_2021dup, p.Met674fs (NM_001364870.1); c.1966_1967dup, p.Met656fs (NM_001438330.1); c.2119_2120dup, p.Met707fs (NM_001438331.1, NM_024790.7); and 1 more; short protein forms M647fs, M656fs, M362fs, M674fs, M620fs, M685fs, M712fs, M479fs.
Identifiers: ClinVar variation 5007332 (VCV005007332.2).

ClinVar aggregate classification (germline): Likely pathogenic (1 of 4 stars; one submission).

Conditions:
Joubert syndrome 21 (JBTS21). Identifiers: MedGen C3810212, MONDO:0014288, OMIM 615636.

Submission:

Juno Genomics, Hangzhou Juno Genomics, Inc
Classification: Likely pathogenic for Joubert syndrome 21. Review status: criteria provided, single submitter. Criteria: ACMG Guidelines, 2015. Collection method: clinical testing. Allele origin: germline.
Comment: Null variant in a gene where loss of function (LOF) is a known mechanism of disease.;Absent from controls (or at extremely low frequency if recessive) in Genome Aggregation Database.